The following is an entry in ClinVar:

ClinVar aggregate classification (germline): Uncertain significance (1 of 4 stars; one submission).

Allele frequency attached by ClinVar (database versions not stated): gnomAD 0.00001; TOPMed 0.00001.
gnomAD v4.1: 1 of 1,613,964 alleles (0.000062%); highest among the groups gnomAD compares: African/African-American, 0.0013%; no homozygotes.

Submission:

Labcorp Genetics (formerly Invitae), Labcorp
Classification: Uncertain significance. Last evaluated: 2021-02-04. Review status: criteria provided, single submitter. Criteria: Invitae Variant Classification Sherloc (09022015). Collection method: clinical testing. Allele origin: germline.
Comment: Algorithms developed to predict the effect of missense changes on protein structure and function are either unavailable or do not agree on the potential impact of this missense change (SIFT: "Tolerated"; PolyPhen-2: "Possibly Damaging"; Align-GVGD: "Class C0"). In summary, the available evidence is currently insufficient to determine the role of this variant in disease. Therefore, it has been classified as a Variant of Uncertain Significance. This variant has not been reported in the literature in individuals with RUSC2-related conditions. This variant is not present in population databases (ExAC no frequency). This sequence change replaces leucine with arginine at codon 195 of the RUSC2 protein (p.Leu195Arg). The leucine residue is weakly conserved and there is a moderate physicochemical difference between leucine and arginine.

NM_014806.5(RUSC2):c.584T>G (p.Leu195Arg)

Gene: RUSC2 (RUN and SH3 domain containing 2; plus strand). Cytogenetic location: 9p13.3.
Variant type: single nucleotide variant.
Coding change: c.584T>G on transcript NM_014806.5 (MANE Select); coding-DNA position 584, T replaced by G.
Protein change: p.Leu195Arg; replaces leucine 195 with arginine.
Molecular consequence: missense variant. On other transcripts: non-coding transcript variant (1), intron variant (1).
Genome position (GRCh38, 1-based): chr9:35,547,105, T>G. VCF-style: chr9-35547105-T-G. GRCh37 (hg19) VCF-style: chr9-35547102-T-G.
Other names: c.584T>G, p.Leu195Arg (NM_001135999.2); c.-620-7955T>G (NM_001330740.2); short protein forms L195R.
Identifiers: ClinVar variation 1507766 (VCV001507766.8), dbSNP rs1821765876, ClinGen allele CA373327834.